The following is an entry in ClinVar:

ClinVar aggregate classification (germline): Uncertain significance. Review status: criteria provided, multiple submitters, no conflicts (2 of 4 stars). 2 submissions from 2 submitters: Uncertain significance (2). Last evaluated 2022-08-17.

Conditions:
Inborn genetic diseases. Identifiers: MedGen C0950123, MeSH D030342.

gnomAD v4.1: 17 of 1,612,492 alleles (0.0011%); highest among the groups gnomAD compares: Non-Finnish European, 0.0014%; no homozygotes.

Submissions (2):

Ambry Genetics
Classification: Uncertain significance for Inborn genetic diseases. Last evaluated: 2022-08-17. Review status: criteria provided, single submitter. Criteria: Ambry Variant Classification Scheme 2023. Collection method: clinical testing. Allele origin: germline.

Labcorp Genetics (formerly Invitae), Labcorp
Classification: Uncertain significance. Last evaluated: 2022-06-14. Review status: criteria provided, single submitter. Criteria: Invitae Variant Classification Sherloc (09022015). Collection method: clinical testing. Allele origin: germline.
Comment: This variant is present in population databases (no rsID available, gnomAD 0.003%). This sequence change replaces arginine, which is basic and polar, with proline, which is neutral and non-polar, at codon 873 of the TONSL protein (p.Arg873Pro). This variant has not been reported in the literature in individuals affected with TONSL-related conditions. In summary, the available evidence is currently insufficient to determine the role of this variant in disease. Therefore, it has been classified as a Variant of Uncertain Significance. Algorithms developed to predict the effect of missense changes on protein structure and function output the following: SIFT: "Deleterious"; PolyPhen-2: "Benign"; Align-GVGD: "Class C65". The proline amino acid residue is found in multiple mammalian species, which suggests that this missense change does not adversely affect protein function.

NM_013432.5(TONSL):c.2618G>C (p.Arg873Pro)

Genes: TONSL (tonsoku like, DNA repair protein; minus strand), TONSL-AS1 (TONSL antisense RNA 1; plus strand). Cytogenetic location: 8q24.3.
Variant type: single nucleotide variant.
Coding change: c.2618G>C on transcript NM_013432.5 (MANE Select); coding-DNA position 2618, G replaced by C.
Protein change: p.Arg873Pro; replaces arginine 873 with proline.
Molecular consequence: missense variant.
Genome position (GRCh38, 1-based): chr8:144,435,815, C>G on the plus strand (G>C on the coding strand, the complement: TONSL is on the minus strand). VCF-style: chr8-144435815-C-G. GRCh37 (hg19) VCF-style: chr8-145661198-C-G.
Other names: c.2618G>C (NM_013432.4); short protein forms R873P.
Identifiers: ClinVar variation 2170793 (VCV002170793.5), dbSNP rs982377750, ClinGen allele CA372653872.